The following is an entry in ClinVar:

ClinVar aggregate classification (germline): Uncertain significance (1 of 4 stars; one submission).

Allele frequency attached by ClinVar (database versions not stated): gnomAD exomes below 0.00001; gnomAD 0.00001; ExAC 0.00002; TOPMed 0.00002; ESP Exome Variant Server 0.00009.

Submission:

Labcorp Genetics (formerly Invitae), Labcorp
Classification: Uncertain significance. Last evaluated: 2025-06-12. Review status: criteria provided, single submitter. Criteria: Invitae Variant Classification Sherloc (09022015). Collection method: clinical testing. Allele origin: germline.
Comment: This sequence change replaces serine, which is neutral and polar, with isoleucine, which is neutral and non-polar, at codon 70 of the NXF5 protein (p.Ser70Ile). This variant is present in population databases (rs145492861, gnomAD 0.001%). This variant has not been reported in the literature in individuals affected with NXF5-related conditions. ClinVar contains an entry for this variant (Variation ID: 1920468). An algorithm developed to predict the effect of missense changes on protein structure and function (PolyPhen-2) suggests that this variant is likely to be disruptive. In summary, the available evidence is currently insufficient to determine the role of this variant in disease. Therefore, it has been classified as a Variant of Uncertain Significance.

NC_000023.11:g.101841705C>A

Gene: NXF5 (nuclear RNA export factor 5; minus strand). Cytogenetic location: Xq22.1.
Variant type: single nucleotide variant.
Molecular consequence: non-coding transcript variant (on NR_028089.1).
Genome position: GRCh38 VCF-style: chrX-101841705-C-A. GRCh37 (hg19) VCF-style: chrX-101096677-C-A.
Identifiers: ClinVar variation 1920468 (VCV001920468.5), dbSNP rs145492861, ClinGen allele CA10474704.